The following is an entry in ClinVar:

ClinVar aggregate classification (germline): Conflicting classifications of pathogenicity. Review status: criteria provided, conflicting classifications (1 of 4 stars). 6 submissions from 6 submitters: Uncertain significance (1); Benign (1); Likely benign (4). Last evaluated 2026-07-01.

Conditions:
CHIME syndrome (CHIME). Also called: COLOBOMA, CONGENITAL HEART DISEASE, ICHTHYOSIFORM DERMATOSIS, IMPAIRED INTELLECTUAL DEVELOPMENT, AND EAR ANOMALIES SYNDROME; GLYCOSYLPHOSPHATIDYLINOSITOL BIOSYNTHESIS DEFECT 5. Identifiers: Orphanet 3474, MedGen C1848392, MONDO:0010221, OMIM 280000.

Allele frequency attached by ClinVar (database versions not stated): 1000 Genomes Project 0.00220; 1000 Genomes Project 30x 0.00250; gnomAD 0.00482 and 0.00486; ExAC 0.00498; gnomAD exomes 0.00509; TOPMed 0.00518; ESP Exome Variant Server 0.00546.
gnomAD v4.1: 9,413 of 1,611,252 alleles (0.58%); highest among the groups gnomAD compares: Non-Finnish European, 0.69%; 47 homozygotes.

Submissions (6):

CeGaT Center for Human Genetics Tuebingen
Classification: Likely benign. Last evaluated: 2026-07-01. Review status: criteria provided, single submitter. Criteria: CeGaT Center For Human Genetics Tuebingen Variant Classification Criteria Version 2. Collection method: clinical testing. Allele origin: germline. Affected: yes. Observed: 33 variant alleles.
Comment: PIGL: BP4, BS2

Labcorp Genetics (formerly Invitae), Labcorp
Classification: Benign. Last evaluated: 2026-01-26. Review status: criteria provided, single submitter. Criteria: Invitae Variant Classification Sherloc (09022015). Collection method: clinical testing. Allele origin: germline.

Illumina Laboratory Services, Illumina
Classification: Likely benign for CHIME syndrome. Last evaluated: 2018-01-13. Review status: criteria provided, single submitter. Criteria: ICSL Variant Classification Criteria 13 December 2019. Collection method: clinical testing. Allele origin: germline.
Comment: This variant was observed in the ICSL laboratory as part of a predisposition screen in an ostensibly healthy population. It had not been previously curated by ICSL or reported in the Human Gene Mutation Database (HGMD: prior to June 1st, 2018), and was therefore a candidate for classification through an automated scoring system. Utilizing variant allele frequency, disease prevalence and penetrance estimates, and inheritance mode, an automated score was calculated to assess if this variant is too frequent to cause the disease. Based on the score and internal cut-off values, a variant classified as likely benign is not then subjected to further curation. The score for this variant resulted in a classification of likely benign for this disease.

Center for Pediatric Genomic Medicine, Children's Mercy Hospital and Clinics
Classification: Likely benign. Last evaluated: 2016-05-06. Review status: criteria provided, single submitter. Criteria: ACMG Guidelines, 2015. Collection method: clinical testing. Allele origin: germline.
ClinVar note: Converted during submission from Likely Benign to Likely benign.

Eurofins Ntd Llc (ga)
Classification: Likely benign. Last evaluated: 2015-09-22. Review status: criteria provided, single submitter. Criteria: EGL Classification Definitions 2015. Collection method: clinical testing. Allele origin: germline. Observed: 1 variant allele, 1 heterozygote.

Genetic Services Laboratory, University of Chicago
Classification: Uncertain significance for CHIME syndrome. Last evaluated: 2013-02-08. Review status: criteria provided, single submitter. Criteria: ACMG Guidelines, 2007. Collection method: clinical testing. Allele origin: germline. Inheritance: Autosomal recessive inheritance.

NM_004278.4(PIGL):c.424C>A (p.Leu142Met)

Gene: PIGL (phosphatidylinositol glycan anchor biosynthesis class L; plus strand). Cytogenetic location: 17p11.2.
Variant type: single nucleotide variant.
Coding change: c.424C>A on transcript NM_004278.4 (MANE Select); coding-DNA position 424, C replaced by A.
Protein change: p.Leu142Met; replaces leucine 142 with methionine.
Molecular consequence: missense variant.
Genome position (GRCh38, 1-based): chr17:16,299,976, C>A. VCF-style: chr17-16299976-C-A. GRCh37 (hg19) VCF-style: chr17-16203290-C-A.
Other names: short protein forms L142M.
Identifiers: ClinVar variation 159705 (VCV000159705.66), dbSNP rs115958467, ClinGen allele CA173158.